The following is an entry in ClinVar:

NM_001903.5(CTNNA1):c.1089A>G (p.Ala363=)

Gene: CTNNA1 (catenin alpha 1; plus strand). Cytogenetic location: 5q31.2.
Variant type: single nucleotide variant.
Coding change: c.1089A>G on transcript NM_001903.5 (MANE Select); coding-DNA position 1089, A replaced by G.
Protein change: p.Ala363=; no amino-acid change (alanine 363 retained).
Molecular consequence: synonymous variant. On other transcripts: 5 prime UTR variant (26), intron variant (2).
Genome position (GRCh38, 1-based): chr5:138,886,238, A>G. VCF-style: chr5-138886238-A-G. GRCh37 (hg19) VCF-style: chr5-138221927-A-G.
Other names: c.1089A>G, p.Ala363= (NM_001290307.3, NM_001323982.2, NM_001323983.1 and 3 more transcripts); c.780A>G, p.Ala260= (NM_001290309.3); c.720A>G, p.Ala240= (NM_001290310.3); c.-22A>G (NM_001290312.1, NM_001323987.1, NM_001323988.1 and 18 more transcripts); c.-419A>G (NM_001324006.1, NM_001324007.1, NM_001324008.1 and 1 more transcripts); c.-294A>G (NM_001324013.1); c.-58+10641A>G (NM_001324012.1); c.-61+10641A>G (NM_001324010.1).
Identifiers: ClinVar variation 766729 (VCV000766729.14), dbSNP rs1259113151, ClinGen allele CA446588944.

ClinVar aggregate classification (germline): Benign/Likely benign. Review status: criteria provided, multiple submitters, no conflicts (2 of 4 stars). 3 submissions from 3 submitters: Benign (1); Likely benign (2). Last evaluated 2025-10-30.

Conditions:
Hereditary diffuse gastric adenocarcinoma (HDGC). Also called: DIFFUSE GASTRIC AND LOBULAR BREAST CANCER SYNDROME. Identifiers: Orphanet 26106, MedGen C1708349, MONDO:0007648, OMIM 137215.
Hereditary cancer-predisposing syndrome. Also called: Neoplastic Syndromes, Hereditary; Hereditary neoplastic syndrome; Tumor predisposition; Hereditary Cancer Syndrome. Identifiers: Orphanet 140162, MedGen C0027672, MeSH D009386, MONDO:0015356.

Allele frequency attached by ClinVar (database versions not stated): gnomAD exomes below 0.00001 and 0.00001; gnomAD 0.00001.
gnomAD v4.1: 4 of 1,611,270 alleles (0.00025%); highest among the groups gnomAD compares: Middle Eastern, 0.016%; no homozygotes.

Submissions (3):

Labcorp Genetics (formerly Invitae), Labcorp
Classification: Likely benign. Last evaluated: 2025-10-30. Review status: criteria provided, single submitter. Criteria: Invitae Variant Classification Sherloc (09022015). Collection method: clinical testing. Allele origin: germline.

Myriad Genetics, Inc.
Classification: Benign for Hereditary diffuse gastric adenocarcinoma. Last evaluated: 2024-10-10. Review status: criteria provided, single submitter. Criteria: Myriad Autosomal Dominant, Autosomal Recessive and X-Linked Classification Criteria (2023). Collection method: clinical testing. Allele origin: unknown.
Comment: This variant is considered benign. This variant is a silent/synonymous amino acid change and it is not expected to impact splicing.

Ambry Genetics
Classification: Likely benign for Hereditary cancer-predisposing syndrome. Last evaluated: 2021-11-04. Review status: criteria provided, single submitter. Criteria: Ambry Variant Classification Scheme 2023. Collection method: clinical testing. Allele origin: germline.